The following is an entry in ClinVar:

NM_000540.3(RYR1):c.2923C>A (p.Arg975=)

Gene: RYR1 (ryanodine receptor 1; plus strand). Cytogenetic location: 19q13.2.
Variant type: single nucleotide variant.
Coding change: c.2923C>A on transcript NM_000540.3 (MANE Select); coding-DNA position 2923, C replaced by A.
Protein change: p.Arg975=; no amino-acid change (arginine 975 retained).
Molecular consequence: synonymous variant.
Genome position (GRCh38, 1-based): chr19:38,466,143, C>A. VCF-style: chr19-38466143-C-A. GRCh37 (hg19) VCF-style: chr19-38956783-C-A.
Other names: c.2923C>A, p.Arg975= (NM_001042723.2).
Identifiers: ClinVar variation 3071300 (VCV003071300.1), dbSNP rs371278145, ClinGen allele CA507352684.
Genomic context (GRCh38, chr19:38,466,143, plus strand): 5'-GCCCGCAGGTATATGATGAGCAATGGGTACAAGCCGGCTCCGCTGGACCTGAGCCACGTG[C>A]GGCTGACGCCGGCGCAGACGACACTGGTGGACCGTCTGGCAGAAAATGGGCACAACGTGT-3'
Protein context (NP_000531.2, residues 965-985): KPAPLDLSHV[Arg975=]LTPAQTTLVD

ClinVar aggregate classification (germline): Likely benign (1 of 4 stars; one submission).

Conditions:
Malignant hyperthermia, susceptibility to, 1 (MHS1). Also called: Anesthesia related hyperthermia; Malignant hyperpyrexia; Fulminating hyperpyrexia; Pharmacogenic myopathy; RYR1-Related Malignant Hyperthermia Susceptibility; Malignant hyperthermia suceptibility 1. Identifiers: Orphanet 423, MedGen C2930980, MONDO:0007783, OMIM 145600.

Submission:

All of Us Research Program, National Institutes of Health
Classification: Likely benign for Malignant hyperthermia, susceptibility to, 1. Last evaluated: 2023-05-30. Review status: criteria provided, single submitter. Criteria: ACMG Guidelines, 2015. Collection method: clinical testing. Allele origin: germline. Inheritance: Autosomal dominant inheritance. Observed: 1 variant allele, 1 heterozygote.
Comment: This study involves interpretation of variants in research participants for the purpose of population health screening. Participant phenotype was not available at the time of variant classification. Additional details can be found in publication PMID: 35346344, PMCID: PMC8962531